The following is an entry in ClinVar:

NM_005245.4(FAT1):c.3349G>A (p.Val1117Met)

Gene: FAT1 (FAT atypical cadherin 1; minus strand). Cytogenetic location: 4q35.2.
Variant type: single nucleotide variant.
Coding change: c.3349G>A on transcript NM_005245.4 (MANE Select); coding-DNA position 3349, G replaced by A.
Protein change: p.Val1117Met; replaces valine 1117 with methionine.
Molecular consequence: missense variant.
Genome position (GRCh38, 1-based): chr4:186,663,530, C>T on the plus strand (G>A on the coding strand, the complement: FAT1 is on the minus strand). VCF-style: chr4-186663530-C-T. GRCh37 (hg19) VCF-style: chr4-187584684-C-T.
Other names: short protein forms V1117M.
Identifiers: ClinVar variation 1049804 (VCV001049804.10), dbSNP rs149295542, ClinGen allele CA3167034.
Genomic context (GRCh38, chr4:186,663,530, plus strand): 5'-GTGCATTGTCATTGACATCCTCAACCTCTATGTAGATCTCTATGAACGATGAAAGAGGCA[C>T]GACACCCTGATCGGTTGCAAAGACTGTTAGCCAATAATGGGAGGTCGATTCACGGTCCAG-3'
Protein context (NP_005236.2, residues 1107-1127): LTVFATDQGV[Val1117Met]PLSSFIEIYI

ClinVar aggregate classification (germline): Conflicting classifications of pathogenicity. Review status: criteria provided, conflicting classifications (1 of 4 stars). 3 submissions from 3 submitters: Uncertain significance (1); Benign (1). 1 of the submissions does not count toward it. Last evaluated 2025-11-28.

Allele frequency attached by ClinVar (database versions not stated): gnomAD exomes 0.00035; ESP Exome Variant Server 0.00170; 1000 Genomes Project 30x 0.00203; 1000 Genomes Project 0.00220.
gnomAD v4.1: 800 of 1,613,162 alleles (0.05%); highest among the groups gnomAD compares: African/African-American, 0.67%; 1 homozygote.

Submissions (3):

Labcorp Genetics (formerly Invitae), Labcorp
Classification: Benign. Last evaluated: 2025-11-28. Review status: criteria provided, single submitter. Criteria: Invitae Variant Classification Sherloc (09022015). Collection method: clinical testing. Allele origin: germline.

GeneDx
Classification: Uncertain significance. Last evaluated: 2022-03-29. Review status: criteria provided, single submitter. Criteria: GeneDx Variant Classification Process June 2021. Collection method: clinical testing. Allele origin: germline. Affected: yes.
Comment: In silico analysis supports that this missense variant does not alter protein structure/function; Has not been previously published as pathogenic or benign to our knowledge

Department of Pathology and Laboratory Medicine, Sinai Health System
Classification: Uncertain significance. Review status: no assertion criteria provided. Collection method: clinical testing. Allele origin: unknown. Affected: yes. Study: The Canadian Open Genetics Repository (COGR). Not counted in ClinVar's aggregate classification.
Comment: The FAT1 p.Val1117Met variant was not identified in the literature nor was it identified in ClinVar or Cosmic. The variant was identified in dbSNP (ID: rs149295542) and LOVD 3.0. The variant was identified in control databases in 198 of 279358 chromosomes at a frequency of 0.0007088 increasing the likelihood this could be a low frequency benign variant (Genome Aggregation Database March 6, 2019, v2.1.1). The variant was observed in the following populations: African in 166 of 24178 chromosomes (freq: 0.006866), Latino in 15 of 35372 chromosomes (freq: 0.000424), Other in 2 of 7130 chromosomes (freq: 0.000281), East Asian in 3 of 19526 chromosomes (freq: 0.000154), European (non-Finnish) in 11 of 127306 chromosomes (freq: 0.000086) and South Asian in 1 of 30600 chromosomes (freq: 0.000033), but was not observed in the Ashkenazi Jewish or European (Finnish) populations. The p.Val1117 residue is conserved in mammals and computational analyses (PolyPhen-2, SIFT, AlignGVGD, BLOSUM, MutationTaster) provide inconsistent predictions regarding the impact to the protein; this information is not very predictive of pathogenicity. The variant occurs outside of the splicing consensus sequence and in silico or computational prediction software programs (SpliceSiteFinder, MaxEntScan, NNSPLICE, GeneSplicer) do not predict a difference in splicing. In summary, based on the above information the clinical significance of this variant cannot be determined with certainty at this time. This variant is classified as a variant of uncertain significance.